The following is an entry in ClinVar:

NM_001267550.2(TTN):c.50084G>A (p.Arg16695Gln)

Genes: TTN (titin; minus strand), TTN-AS1 (TTN antisense RNA 1; plus strand). Cytogenetic location: 2q31.2.
Variant type: single nucleotide variant.
Coding change: c.50084G>A on transcript NM_001267550.2 (MANE Select); coding-DNA position 50084, G replaced by A.
Protein change: p.Arg16695Gln; replaces arginine 16695 with glutamine.
Molecular consequence: missense variant.
Genome position (GRCh38, 1-based): chr2:178,612,441, C>T on the plus strand (G>A on the coding strand, the complement: TTN is on the minus strand). VCF-style: chr2-178612441-C-T. GRCh37 (hg19) VCF-style: chr2-179477168-C-T.
Other names: p.R15054Q:CGA>CAA; c.45161G>A, p.Arg15054Gln (NM_001256850.1); c.22889G>A, p.Arg7630Gln (NM_003319.4); c.42380G>A, p.Arg14127Gln (NM_133378.4); c.23264G>A, p.Arg7755Gln (NM_133432.3); c.23465G>A, p.Arg7822Gln (NM_133437.4); short protein forms R15054Q, R16695Q, R7822Q, R14127Q, R7630Q, R7755Q.
Identifiers: ClinVar variation 202682 (VCV000202682.5), dbSNP rs794729451, ClinGen allele CA309968.

ClinVar aggregate classification (germline): Uncertain significance. Review status: criteria provided, multiple submitters, no conflicts (2 of 4 stars). 3 submissions from 3 submitters: Uncertain significance (3). Last evaluated 2026-06-13.

Conditions:
Dilated cardiomyopathy 1G (CMD1G). Identifiers: Orphanet 154, MedGen C1858763, MONDO:0011400, OMIM 604145.
Autosomal recessive limb-girdle muscular dystrophy type 2J (LGMDR10). Also called: Limb-girdle muscular dystrophy, type 2J; MUSCULAR DYSTROPHY, LIMB-GIRDLE, AUTOSOMAL RECESSIVE 10. Identifiers: Orphanet 140922, MedGen C1837342, MONDO:0012127, OMIM 608807.

Allele frequency attached by ClinVar (database versions not stated): gnomAD exomes 0.00001 and below 0.00001; gnomAD 0.00003 and 0.00002; TOPMed 0.00003.
gnomAD v4.1: 17 of 1,612,372 alleles (0.0011%); highest among the groups gnomAD compares: African/African-American, 0.0027%; no homozygotes.

Submissions (3):

Women's Health and Genetics/Laboratory Corporation of America, LabCorp
Classification: Uncertain significance. Last evaluated: 2026-06-13. Review status: criteria provided, single submitter. Criteria: LabCorp Variant Classification Summary - May 2015. Collection method: clinical testing. Allele origin: germline.
Comment: Variant summary: TTN NM_133378 c.42380G>A (p.Arg14127Gln), also known as NM_001267550 c.50084G>A (p.Arg16695Gln), results in a conservative amino acid change in the encoded protein sequence. Algorithms developed to predict the effect of missense changes on protein structure and function are either unavailable or do not agree on the potential impact of this missense change. The variant allele was found at a frequency of 4.1e-06 in 246360 control chromosomes. The available data on variant occurrences in the general population are insufficient to allow any conclusion about variant significance. To our knowledge, no occurrence of c.42380G>A in individuals affected with TTN-related conditions and no experimental evidence demonstrating its impact on protein function have been reported. ClinVar contains an entry for this variant (Variation ID: 202682). Based on the evidence outlined above, the variant was classified as uncertain significance.

Labcorp Genetics (formerly Invitae), Labcorp
Classification: Uncertain significance for Dilated cardiomyopathy 1G; Autosomal recessive limb-girdle muscular dystrophy type 2J. Last evaluated: 2018-01-05. Review status: criteria provided, single submitter. Criteria: Invitae Variant Classification Sherloc (09022015). Collection method: clinical testing. Allele origin: germline.

GeneDx
Classification: Uncertain significance. Last evaluated: 2014-06-24. Review status: criteria provided, single submitter. Criteria: GeneDx Variant Classification (06012015). Collection method: clinical testing. Allele origin: germline. Affected: yes.
Comment: Missense variants in the TTN gene are considered 'unclassified' if they are not previously reported in the literature and do not have >1% frequency in the population to be considered a polymorphism. Research indicates that truncating mutations in the TTN gene are expected to account for approximately 25% of familial and 18% of sporadic idiopathic DCM; however, truncating variants in the TTN gene have been reported in approximately 3% of reported control alleles. There has been little investigation into non-truncating variants. (Herman D et al. Truncations of titin causing dilated cardiomyopathy. N Eng J Med 366:619-628, 2012) The variant is found in DCM-CRDM panel(s).